The following is an entry in ClinVar:

NM_001367624.2(ZNF469):c.2896G>A (p.Gly966Arg)

Gene: ZNF469 (zinc finger protein 469; plus strand). Cytogenetic location: 16q24.2.
Variant type: single nucleotide variant.
Coding change: c.2896G>A on transcript NM_001367624.2 (MANE Select); coding-DNA position 2896, G replaced by A.
Protein change: p.Gly966Arg; replaces glycine 966 with arginine.
Molecular consequence: missense variant.
Genome position (GRCh38, 1-based): chr16:88,430,366, G>A. VCF-style: chr16-88430366-G-A. GRCh37 (hg19) VCF-style: chr16-88496774-G-A.
Other names: NM_001127464.1:c.2896G>A; short protein forms G966R.
Identifiers: ClinVar variation 1500429 (VCV001500429.8), dbSNP rs1037451392, ClinGen allele CA286374249.

ClinVar aggregate classification (germline): Conflicting classifications of pathogenicity. Review status: criteria provided, conflicting classifications (1 of 4 stars). 4 submissions from 4 submitters: Uncertain significance (3); Likely benign (1). Last evaluated 2025-12-15.

Conditions:
Cardiovascular phenotype. Identifiers: MedGen CN230736.
Brittle cornea syndrome 1 (BCS1). Also called: CORNEAL FRAGILITY, KERATOGLOBUS, BLUE SCLERAE, JOINT HYPEREXTENSIBILITY; EDS6B; DYSGENESIS MESODERMALIS CORNEAE ET SCLERAE; Corneal fragility keratoglobus, blue sclerae AND joint hypermobility; FRAGILITAS OCULI WITH JOINT HYPEREXTENSIBILITY. Identifiers: Orphanet 90354, MedGen C0268344, MONDO:0024543, OMIM 229200.

Allele frequency attached by ClinVar (database versions not stated): gnomAD 0.00001; gnomAD exomes 0.00002; TOPMed 0.00002.
gnomAD v4.1: 23 of 1,510,216 alleles (0.0015%); highest among the groups gnomAD compares: Middle Eastern, 0.017%; no homozygotes.

Submissions (4):

Women's Health and Genetics/Laboratory Corporation of America, LabCorp
Classification: Uncertain significance. Last evaluated: 2025-12-15. Review status: criteria provided, single submitter. Criteria: LabCorp Variant Classification Summary - May 2015. Collection method: clinical testing. Allele origin: germline.
Comment: Variant summary: ZNF469 c.2896G>A (p.Gly966Arg) results in a non-conservative amino acid change in the encoded protein sequence. Algorithms developed to predict the effect of missense changes on protein structure and function are either unavailable or do not agree on the potential impact of this missense change. The variant allele was found at a frequency of 1.8e-05 in 109824 control chromosomes. The available data on variant occurrences in the general population are insufficient to allow any conclusion about variant significance. To our knowledge, no occurrence of c.2896G>A in individuals affected with ZNF469-related conditions and no experimental evidence demonstrating its impact on protein function have been reported. ClinVar contains an entry for this variant (Variation ID: 1500429). Based on the evidence outlined above, the variant was classified as uncertain significance.

Ambry Genetics
Classification: Likely benign for Cardiovascular phenotype. Last evaluated: 2025-05-03. Review status: criteria provided, single submitter. Criteria: Ambry Variant Classification Scheme 2023. Collection method: clinical testing. Allele origin: germline.

Labcorp Genetics (formerly Invitae), Labcorp
Classification: Uncertain significance. Last evaluated: 2022-05-09. Review status: criteria provided, single submitter. Criteria: Invitae Variant Classification Sherloc (09022015). Collection method: clinical testing. Allele origin: germline.
Comment: This sequence change replaces glycine, which is neutral and non-polar, with arginine, which is basic and polar, at codon 966 of the ZNF469 protein (p.Gly966Arg). The frequency data for this variant in the population databases is considered unreliable, as metrics indicate poor data quality at this position in the gnomAD database. This variant has not been reported in the literature in individuals affected with ZNF469-related conditions. Algorithms developed to predict the effect of missense changes on protein structure and function output the following: SIFT: "Tolerated"; PolyPhen-2: "Probably Damaging"; Align-GVGD: "Class C0". The arginine amino acid residue is found in multiple mammalian species, which suggests that this missense change does not adversely affect protein function. In summary, the available evidence is currently insufficient to determine the role of this variant in disease. Therefore, it has been classified as a Variant of Uncertain Significance.

Department of Pathology and Laboratory Medicine, Sinai Health System
Classification: Uncertain significance for Brittle cornea syndrome 1. Last evaluated: 2021-10-27. Review status: criteria provided, single submitter. Criteria: ACMG Guidelines, 2015. Collection method: research. Allele origin: germline.